The following is an entry in ClinVar:

NM_018136.5(ASPM):c.7860_7861del (p.Gln2620fs)

Gene: ASPM (assembly factor for spindle microtubules; minus strand). Cytogenetic location: 1q31.3.
Variant type: Deletion.
Coding change: c.7860_7861del on transcript NM_018136.5 (MANE Select); coding-DNA positions 7860 to 7861, 2 bases deleted (GA; older notation c.7860_7861delGA).
Protein change: p.Gln2620fs; shifts the reading frame from glutamine 2620.
Molecular consequence: frameshift variant. On other transcripts: intron variant (1).
Genome position (GRCh38, 1-based): chr1:197,101,390-197,101,391, TC deleted on the plus strand (GA on the coding strand, the reverse complement: ASPM is on the minus strand); deleting any 2 consecutive bases within chr1:197,101,390-197,101,392 gives the same sequence; the c. name uses the placement nearest the transcript's 3' end. VCF-style (leftmost placement, unchanged base first): chr1-197101389-ATC-A. GRCh37 (hg19) VCF-style: chr1-197070519-ATC-A.
Other names: c.4066-5227_4066-5226del (NM_001206846.2); short protein forms Q2620fs.
Identifiers: ClinVar variation 21608 (VCV000021608.4), dbSNP rs199422174, ClinGen allele CA342274.

ClinVar aggregate classification (germline): Pathogenic. Review status: criteria provided, single submitter (1 of 4 stars). 2 submissions from 2 submitters: Pathogenic (1). 1 of the submissions does not count toward it. Last evaluated 2025-09-14.

Conditions:
Microcephaly 5, primary, autosomal recessive (MCPH5). Also called: ASPM Primary Microcephaly. Identifiers: Orphanet 2512, MedGen C1837501, MONDO:0012106, OMIM 608716.

Submissions (2):

Labcorp Genetics (formerly Invitae), Labcorp
Classification: Pathogenic. Last evaluated: 2025-09-14. Review status: criteria provided, single submitter. Criteria: Invitae Variant Classification Sherloc (09022015). Collection method: clinical testing. Allele origin: germline.
Comment: This sequence change creates a premature translational stop signal (p.Gln2620Hisfs*16) in the ASPM gene. It is expected to result in an absent or disrupted protein product. Loss-of-function variants in ASPM are known to be pathogenic (PMID: 19028728, 23611254). This variant is not present in population databases (gnomAD no frequency). This premature translational stop signal has been observed in individual(s) with microcephaly (PMID: 19028728). This variant is also known as c.7859_7860delAG . ClinVar contains an entry for this variant (Variation ID: 21608). For these reasons, this variant has been classified as Pathogenic.

GeneReviews
No classification provided. Condition: Microcephaly 5, primary, autosomal recessive. Review status: no classification provided. Collection method: literature only. Allele origin: unknown. Not counted in ClinVar's aggregate classification.

Literature cited by the submitters: PubMed 19028728 (cited by Labcorp Genetics (formerly Invitae), Labcorp); PubMed 23611254 (cited by Labcorp Genetics (formerly Invitae), Labcorp); PubMed 20301772 (cited by GeneReviews); NCBI Bookshelf NBK9587 (cited by GeneReviews).